The following is an entry in ClinVar:

ClinVar aggregate classification (germline): Uncertain significance. Review status: criteria provided, multiple submitters, no conflicts (2 of 4 stars). 3 submissions from 3 submitters: Uncertain significance (3). Last evaluated 2025-12-22.

Conditions:
Multiple endocrine neoplasia, type 2 (MEN2). Identifiers: Orphanet 653, MedGen C4048306, MONDO:0019003. Disease mechanism: gain of function.
Hereditary cancer-predisposing syndrome. Also called: Tumor predisposition; Neoplastic Syndromes, Hereditary; Hereditary Cancer Syndrome; Hereditary neoplastic syndrome. Identifiers: Orphanet 140162, MedGen C0027672, MeSH D009386, MONDO:0015356.

Allele frequency attached by ClinVar (database versions not stated): TOPMed below 0.00001.

Submissions (3):

Ambry Genetics
Classification: Uncertain significance for Hereditary cancer-predisposing syndrome. Last evaluated: 2025-12-22. Review status: criteria provided, single submitter. Criteria: Ambry Variant Classification Scheme 2023. Collection method: clinical testing. Allele origin: germline.
Comment: The p.L851F variant (also known as c.2551C>T), located in coding exon 14 of the RET gene, results from a C to T substitution at nucleotide position 2551. The leucine at codon 851 is replaced by phenylalanine, an amino acid with highly similar properties. This amino acid position is highly conserved in available vertebrate species. In addition, this alteration is predicted to be deleterious by in silico analysis. Since supporting evidence is limited at this time, the clinical significance of this alteration remains unclear.

All of Us Research Program, National Institutes of Health
Classification: Uncertain significance for Multiple endocrine neoplasia, type 2. Last evaluated: 2024-08-06. Review status: criteria provided, single submitter. Criteria: ACMG Guidelines, 2015. Collection method: clinical testing. Allele origin: germline. Inheritance: Autosomal dominant inheritance. Observed: 1 variant allele, 1 heterozygote.
Comment: This study involves interpretation of variants in research participants for the purpose of population health screening. Participant phenotype was not available at the time of variant classification. Additional details can be found in publication PMID: 35346344, PMCID: PMC8962531

Labcorp Genetics (formerly Invitae), Labcorp
Classification: Uncertain significance for Multiple endocrine neoplasia, type 2. Last evaluated: 2019-01-29. Review status: criteria provided, single submitter. Criteria: Invitae Variant Classification Sherloc (09022015). Collection method: clinical testing. Allele origin: germline.
Comment: In summary, the available evidence is currently insufficient to determine the role of this variant in disease. Therefore, it has been classified as a Variant of Uncertain Significance. Algorithms developed to predict the effect of missense changes on protein structure and function are either unavailable or do not agree on the potential impact of this missense change (SIFT: "Deleterious"; PolyPhen-2: "Probably Damaging"; Align-GVGD: "Class C0"). This variant has not been reported in the literature in individuals with RET-related conditions. This variant is not present in population databases (ExAC no frequency). This sequence change replaces leucine with phenylalanine at codon 851 of the RET protein (p.Leu851Phe). The leucine residue is moderately conserved and there is a small physicochemical difference between leucine and phenylalanine.

NM_020975.6(RET):c.2551C>T (p.Leu851Phe)

Gene: RET (ret proto-oncogene; plus strand). Cytogenetic location: 10q11.21.
Variant type: single nucleotide variant.
Coding change: c.2551C>T on transcript NM_020975.6 (MANE Select); coding-DNA position 2551, C replaced by T.
Protein change: p.Leu851Phe; replaces leucine 851 with phenylalanine.
Molecular consequence: missense variant.
Genome position (GRCh38, 1-based): chr10:43,119,689, C>T. VCF-style: chr10-43119689-C-T. GRCh37 (hg19) VCF-style: chr10-43615137-C-T.
Other names: c.2551C>T, p.Leu851Phe (NM_000323.2, NM_020629.2, NM_020630.7 and 4 more transcripts); c.1789C>T, p.Leu597Phe (NM_001355216.2); c.2263C>T, p.Leu755Phe (NM_001406767.1, NM_001406770.1, NM_001406766.1); c.2287C>T, p.Leu763Phe (NM_001406768.1); c.2155C>T, p.Leu719Phe (NM_001406769.1, NM_001406772.1); c.2113C>T, p.Leu705Phe (NM_001406771.1, NM_001406773.1); c.2026C>T, p.Leu676Phe (NM_001406774.1); c.1825C>T, p.Leu609Phe (NM_001406775.1, NM_001406776.1, NM_001406777.1 and 1 more transcripts); and 10 more; short protein forms L851F, L597F, L416F, L705F, L755F, L763F, L808F, L456F.
Identifiers: ClinVar variation 821465 (VCV000821465.17), dbSNP rs1588877364, ClinGen allele CA376556552.